The following is an entry in ClinVar:

NM_000384.3(APOB):c.6961G>C (p.Val2321Leu)

Gene: APOB (apolipoprotein B; minus strand). Cytogenetic location: 2p24.1.
Variant type: single nucleotide variant.
Coding change: c.6961G>C on transcript NM_000384.3 (MANE Select); coding-DNA position 6961, G replaced by C.
Protein change: p.Val2321Leu; replaces valine 2321 with leucine.
Molecular consequence: missense variant.
Genome position (GRCh38, 1-based): chr2:21,009,907, C>G on the plus strand (G>C on the coding strand, the complement: APOB is on the minus strand). VCF-style: chr2-21009907-C-G. GRCh37 (hg19) VCF-style: chr2-21232779-C-G.
Other names: short protein forms V2321L.
Identifiers: ClinVar variation 426247 (VCV000426247.3), dbSNP rs1085307523, ClinGen allele CA346000087.

ClinVar aggregate classification (germline): Uncertain significance. Review status: criteria provided, multiple submitters, no conflicts (2 of 4 stars). 2 submissions from 2 submitters: Uncertain significance (2). Last evaluated 2026-10-15.

Conditions:
Familial hypercholesterolemia. Also called: Familial hypercholesterolemias; Familial hypercholesterolaemia. Identifiers: MedGen C0020445, MONDO:0005439.

gnomAD v4.1: 8 of 1,613,972 alleles (0.0005%); highest among the groups gnomAD compares: Non-Finnish European, 0.00068%; no homozygotes.

Submissions (2):

Cambridge Genomics Laboratory, East Genomic Laboratory Hub, NHS Genomic Medicine Service
Classification: Uncertain significance for Familial hypercholesterolaemia. Last evaluated: 2026-10-15. Review status: criteria provided, single submitter. Criteria: ACGS Best Practice Guidelines for Variant Classification in Rare Disease 2020. Collection method: clinical testing. Allele origin: germline. Affected: yes.
Comment: PM2_Supporting

GeneDx
Classification: Uncertain significance. Last evaluated: 2017-04-24. Review status: criteria provided, single submitter. Criteria: GeneDx Variant Classification (06012015). Collection method: clinical testing. Allele origin: germline. Affected: yes.
Comment: The V2321L variant has not been published as pathogenic or been reported as benign to our knowledge. It is not observed in large population cohorts (Lek et al., 2016; 1000 Genomes Consortium et al., 2015; Exome Variant Server). This substitution occurs at a position where only amino acids with similar properties to valine are tolerated across species. However, the V2321L variant is a conservative amino acid substitution, which is not likely to impact secondary protein structure as these residues share similar properties. Furthermore, in silico analysis is inconsistent in its predictions as to whether or not the variant is damaging to the protein structure/function.